The following is an entry in ClinVar:

NM_004855.5(PIGB):c.539G>C (p.Cys180Ser)

Gene: PIGB (phosphatidylinositol glycan anchor biosynthesis class B; plus strand). Cytogenetic location: 15q21.3.
Variant type: single nucleotide variant.
Coding change: c.539G>C on transcript NM_004855.5 (MANE Select); coding-DNA position 539, G replaced by C.
Protein change: p.Cys180Ser; replaces cysteine 180 with serine.
Molecular consequence: missense variant.
Genome position (GRCh38, 1-based): chr15:55,329,740, G>C. VCF-style: chr15-55329740-G-C. GRCh37 (hg19) VCF-style: chr15-55621938-G-C.
Other names: c.539G>C (NM_004855.4); short protein forms C180S.
Identifiers: ClinVar variation 2066176 (VCV002066176.3), dbSNP rs760013119, ClinGen allele CA7573878.
Genomic context (GRCh38, chr15:55,329,740, plus strand): 5'-TCCATTTCCAATTTCATATATGTTTGCTCTGTACTTTTTCTTAGTTTTTTTGCCAGTTGT[G>C]CTCCTGGTTCACATGGTATTGCTGTACCAGAACCCTTACAAACACCATGGAAACTGTTCT-3'
Protein context (NP_004846.4, residues 170-190): VARWVFFCQL[Cys180Ser]SWFTWYCCTR

ClinVar aggregate classification (germline): Uncertain significance. Review status: criteria provided, multiple submitters, no conflicts (2 of 4 stars). 2 submissions from 2 submitters: Uncertain significance (2). Last evaluated 2025-12-04.

Conditions:
Inborn genetic diseases. Identifiers: MedGen C0950123, MeSH D030342.

Allele frequency attached by ClinVar (database versions not stated): gnomAD 0.00001; ExAC 0.00009; TOPMed below 0.00001.

Submissions (2):

Ambry Genetics
Classification: Uncertain significance for Inborn genetic diseases. Last evaluated: 2025-12-04. Review status: criteria provided, single submitter. Criteria: Ambry Variant Classification Scheme 2023. Collection method: clinical testing. Allele origin: germline.

Labcorp Genetics (formerly Invitae), Labcorp
Classification: Uncertain significance. Last evaluated: 2022-06-22. Review status: criteria provided, single submitter. Criteria: Invitae Variant Classification Sherloc (09022015). Collection method: clinical testing. Allele origin: germline.
Comment: This sequence change replaces cysteine, which is neutral and slightly polar, with serine, which is neutral and polar, at codon 180 of the PIGB protein (p.Cys180Ser). This variant is present in population databases (rs760013119, gnomAD 0.05%), including at least one homozygous and/or hemizygous individual. This variant has not been reported in the literature in individuals affected with PIGB-related conditions. Algorithms developed to predict the effect of missense changes on protein structure and function (SIFT, PolyPhen-2, Align-GVGD) all suggest that this variant is likely to be tolerated. In summary, the available evidence is currently insufficient to determine the role of this variant in disease. Therefore, it has been classified as a Variant of Uncertain Significance.